The following is an entry in ClinVar:

ClinVar aggregate classification (germline): Conflicting classifications of pathogenicity. Review status: criteria provided, conflicting classifications (1 of 4 stars). 8 submissions from 8 submitters: Uncertain significance (5); Likely benign (1). 2 of the submissions do not count toward it. Last evaluated 2025-06-06.

Conditions:
Autosomal recessive nonsyndromic hearing loss 3. Also called: NEUROSENSORY NONSYNDROMIC RECESSIVE DEAFNESS 3. Identifiers: Orphanet 90636, MedGen C1838263, MONDO:0010860, OMIM 600316.

Allele frequency attached by ClinVar (database versions not stated): TOPMed 0.00024; gnomAD 0.00030 and 0.00032; gnomAD exomes 0.00031 and 0.00039; ExAC 0.00036; ESP Exome Variant Server 0.00055.

Submissions (8):

Labcorp Genetics (formerly Invitae), Labcorp
Classification: Likely benign. Last evaluated: 2025-06-06. Review status: criteria provided, single submitter. Criteria: Invitae Variant Classification Sherloc (09022015). Collection method: clinical testing. Allele origin: germline.

CeGaT Center for Human Genetics Tuebingen
Classification: Uncertain significance. Last evaluated: 2025-05-01. Review status: criteria provided, single submitter. Criteria: CeGaT Center For Human Genetics Tuebingen Variant Classification Criteria Version 2. Collection method: clinical testing. Allele origin: germline. Affected: yes. Observed: 1 variant allele.

GeneDx
Classification: Uncertain significance. Last evaluated: 2025-04-10. Review status: criteria provided, single submitter. Criteria: GeneDx Variant Classification Process June 2021. Collection method: clinical testing. Allele origin: germline. Affected: yes.
Comment: Identified in conjunction with additional variants in genes associated with hearing loss in an individual in published literature (PMID: 32860223); In silico analysis indicates that this missense variant does not alter protein structure/function; This variant is associated with the following publications: (PMID: 32860223)

Blueprint Genetics
Classification: Uncertain significance. Last evaluated: 2024-11-21. Review status: criteria provided, single submitter. Criteria: ACMG Guidelines, 2015. Collection method: clinical testing. Allele origin: germline.

Illumina Laboratory Services, Illumina
Classification: Uncertain significance for Autosomal recessive nonsyndromic hearing loss 3. Last evaluated: 2018-01-13. Review status: criteria provided, single submitter. Criteria: ICSL Variant Classification Criteria 13 December 2019. Collection method: clinical testing. Allele origin: germline.

Eurofins Ntd Llc (ga)
Classification: Uncertain significance. Last evaluated: 2015-08-12. Review status: criteria provided, single submitter. Criteria: EGL Classification Definitions 2015. Collection method: clinical testing. Allele origin: germline. Observed: 1 variant allele, 1 heterozygote.

Zotz-Klimas Genetics Lab, MVZ Zotz Klimas
Classification: Uncertain significance for Autosomal recessive nonsyndromic hearing loss 3. Last evaluated: 2023-11-24. Review status: no assertion criteria provided. Collection method: clinical testing. Allele origin: germline. Affected: yes. Not counted in ClinVar's aggregate classification.

Department of Pathology and Laboratory Medicine, Sinai Health System
Classification: Uncertain significance. Review status: no assertion criteria provided. Collection method: clinical testing. Allele origin: unknown. Affected: yes. Study: The Canadian Open Genetics Repository (COGR). Not counted in ClinVar's aggregate classification.
Comment: The MYO15A p.Asp244Asn variant was not identified in the literature nor was it identified in Cosmic or LOVD 3.0. The variant was identified in dbSNP (ID: rs199899548), ClinVar (classified as a VUS by EGL Genetic Diagnostics and GeneDx) The variant was also identified in control databases in 113 of 276240 chromosomes at a frequency of 0.000409 increasing the likelihood this could be a low frequency benign variant (Genome Aggregation Database Feb 27, 2017). The variant was observed in the following populations: Ashkenazi Jewish in 33 of 10286 chromosomes (freq: 0.003208), European (non-Finnish) in 73 of 127466 chromosomes (freq: 0.000573), Latino in 5 of 35326 chromosomes (freq: 0.000142), Other in 1 of 7080 chromosomes (freq: 0.000141) and African in 1 of 23990 chromosomes (freq: 0.000042); it was not observed in the East Asian, European (Finnish) and South Asian population. The variant occurs outside of the splicing consensus sequence and in silico or computational prediction software programs (SpliceSiteFinder, MaxEntScan, NNSPLICE, GeneSplicer) do not predict a difference in splicing. The p.Asp244 residue is conserved in mammals and computational analyses (PolyPhen-2, SIFT, AlignGVGD, BLOSUM, MutationTaster) provide inconsistent predictions regarding the impact to the protein; this information is not very predictive of pathogenicity. In summary, based on the above information the clinical significance of this variant cannot be determined with certainty at this time. This variant is classified as a variant of uncertain significance.

NM_016239.4(MYO15A):c.730G>A (p.Asp244Asn)

Gene: MYO15A (myosin XVA; plus strand). Cytogenetic location: 17p11.2.
Variant type: single nucleotide variant.
Coding change: c.730G>A on transcript NM_016239.4 (MANE Select); coding-DNA position 730, G replaced by A.
Protein change: p.Asp244Asn; replaces aspartic acid 244 with asparagine.
Molecular consequence: missense variant.
Genome position (GRCh38, 1-based): chr17:18,119,530, G>A. VCF-style: chr17-18119530-G-A. GRCh37 (hg19) VCF-style: chr17-18022844-G-A.
Other names: short protein forms D244N.
Identifiers: ClinVar variation 282078 (VCV000282078.35), dbSNP rs199899548, ClinGen allele CA8422921.